The following is an entry in ClinVar:

ClinVar aggregate classification (germline): Uncertain significance (1 of 4 stars; one submission).

Conditions:
Hereditary breast ovarian cancer syndrome. Also called: Hereditary breast and/or ovarian cancer syndrome; Breast and ovarian cancer; BRCA1- and BRCA2-Associated Hereditary Breast and Ovarian Cancer; Hereditary breast and ovarian cancer syndrome; Hereditary breast and ovarian cancer syndrome (HBOC); Hereditary breast and ovarian cancer. Identifiers: Orphanet 145, MedGen C0677776, MeSH D061325, MONDO:0003582. Disease mechanism: loss of function.

Allele frequency attached by ClinVar (database versions not stated): ExAC 0.00001; gnomAD exomes 0.00001.
gnomAD v4.1: 3 of 1,614,144 alleles (0.00019%); highest among the groups gnomAD compares: South Asian, 0.0033%; no homozygotes.

Submission:

Labcorp Genetics (formerly Invitae), Labcorp
Classification: Uncertain significance for Hereditary breast ovarian cancer syndrome. Last evaluated: 2020-03-08. Review status: criteria provided, single submitter. Criteria: Invitae Variant Classification Sherloc (09022015). Collection method: clinical testing. Allele origin: germline.
Comment: In summary, the available evidence is currently insufficient to determine the role of this variant in disease. Therefore, it has been classified as a Variant of Uncertain Significance. Algorithms developed to predict the effect of missense changes on protein structure and function (SIFT, PolyPhen-2, Align-GVGD) all suggest that this variant is likely to be tolerated, but these predictions have not been confirmed by published functional studies and their clinical significance is uncertain. This variant has not been reported in the literature in individuals with BRCA1-related conditions. This variant is present in population databases (rs755614810, ExAC 0.006%). This sequence change replaces serine with phenylalanine at codon 1436 of the BRCA1 protein (p.Ser1436Phe). The serine residue is moderately conserved and there is a large physicochemical difference between serine and phenylalanine.

NM_007294.4(BRCA1):c.4307C>T (p.Ser1436Phe)

Gene: BRCA1 (BRCA1 DNA repair associated; minus strand). Cytogenetic location: 17q21.31.
Variant type: single nucleotide variant.
Coding change: c.4307C>T on transcript NM_007294.4 (MANE Select); coding-DNA position 4307, C replaced by T.
Protein change: p.Ser1436Phe; replaces serine 1436 with phenylalanine.
Molecular consequence: missense variant. On other transcripts: non-coding transcript variant (1).
Genome position (GRCh38, 1-based): chr17:43,082,454, G>A on the plus strand (C>T on the coding strand, the complement: BRCA1 is on the minus strand). VCF-style: chr17-43082454-G-A. GRCh37 (hg19) VCF-style: chr17-41234471-G-A.
Other names: c.4181C>T, p.Ser1394Phe (NM_001407682.1, NM_001407683.1, NM_001407688.1 and 12 more transcripts); c.4307C>T, p.Ser1436Phe (NM_001407684.1, NM_001407854.1, NM_001407858.1 and 23 more transcripts); c.4178C>T, p.Ser1393Phe (NM_001407685.1, NM_001407686.1, NM_001407687.1 and 2 more transcripts); c.4166C>T, p.Ser1389Phe (NM_001407692.1, NM_001407694.1, NM_001407695.1 and 23 more transcripts); c.4163C>T, p.Ser1388Phe (NM_001407740.1, NM_001407741.1, NM_001407742.1 and 23 more transcripts); c.4160C>T, p.Ser1387Phe (NM_001407847.1, NM_001407848.1, NM_001407849.1); c.4094C>T, p.Ser1365Phe (NM_001407853.1, NM_001407894.1, NM_001407895.1 and 12 more transcripts); c.4304C>T, p.Ser1435Phe (NM_001407860.1, NM_001407861.1, NM_001407587.1 and 21 more transcripts); and 51 more; short protein forms S1389F, S1436F, S333F, S1140F, S1346F, S1408F, S1409F, S205F.
Identifiers: ClinVar variation 1059740 (VCV001059740.10), dbSNP rs755614810, ClinGen allele CA059893.